The following is an entry in ClinVar:

NM_006218.4(PIK3CA):c.1153G>A (p.Glu385Lys)

Gene: PIK3CA (phosphatidylinositol-4,5-bisphosphate 3-kinase catalytic subunit alpha; plus strand). Cytogenetic location: 3q26.32.
Variant type: single nucleotide variant.
Coding change: c.1153G>A on transcript NM_006218.4 (MANE Select); coding-DNA position 1153, G replaced by A.
Protein change: p.Glu385Lys; replaces glutamic acid 385 with lysine.
Molecular consequence: missense variant.
Genome position (GRCh38, 1-based): chr3:179,209,602, G>A. VCF-style: chr3-179209602-G-A. GRCh37 (hg19) VCF-style: chr3-178927390-G-A.
Other names: short protein forms E385K.
Identifiers: ClinVar variation 1710584 (VCV001710584.2), dbSNP rs2108399117, ClinGen allele CA355261282.

ClinVar aggregate classification (germline): Uncertain significance (1 of 4 stars; one submission).

Submission:

GeneDx
Classification: Uncertain significance. Last evaluated: 2022-04-15. Review status: criteria provided, single submitter. Criteria: GeneDx Variant Classification Process June 2021. Collection method: clinical testing. Allele origin: germline. Affected: yes.
Comment: Not observed at significant frequency in large population cohorts (gnomAD); In silico analysis supports that this missense variant has a deleterious effect on protein structure/function; Has not been previously published as pathogenic or benign to our knowledge